The following is an entry in ClinVar:

ClinVar aggregate classification (germline): Conflicting classifications of pathogenicity. Review status: criteria provided, conflicting classifications (1 of 4 stars). 2 submissions from 2 submitters: Likely pathogenic (1); Uncertain significance (1). Last evaluated 2025-11-06.

Allele frequency attached by ClinVar (database versions not stated): gnomAD 0.00001; gnomAD exomes 0.00001.
gnomAD v4.1: 10 of 1,613,690 alleles (0.00062%); highest among the groups gnomAD compares: Non-Finnish European, 0.00085%; no homozygotes.

Submissions (2):

Women's Health and Genetics/Laboratory Corporation of America, LabCorp
Classification: Uncertain significance. Last evaluated: 2025-11-06. Review status: criteria provided, single submitter. Criteria: LabCorp Variant Classification Summary - May 2015. Collection method: clinical testing. Allele origin: germline.
Comment: Variant summary: ABCA4 c.5086A>G (p.Ser1696Gly) results in a non-conservative amino acid change in the encoded protein sequence. Algorithms developed to predict the effect of missense changes on protein structure and function are either unavailable or do not agree on the potential impact of this missense change. The variant was absent in 250460 control chromosomes. The available data on variant occurrences in the general population are insufficient to allow any conclusion about variant significance. To our knowledge, no occurrence of c.5086A>G in individuals affected with ABCA4-related conditions and no experimental evidence demonstrating its impact on protein function have been reported. ClinVar contains an entry for this variant (Variation ID: 2822370). Based on the evidence outlined above, the variant was classified as uncertain significance.

Labcorp Genetics (formerly Invitae), Labcorp
Classification: Likely pathogenic. Last evaluated: 2023-07-25. Review status: criteria provided, single submitter. Criteria: Invitae Variant Classification Sherloc (09022015). Collection method: clinical testing. Allele origin: germline.
Comment: Advanced modeling of protein sequence and biophysical properties (such as structural, functional, and spatial information, amino acid conservation, physicochemical variation, residue mobility, and thermodynamic stability) performed at Invitae indicates that this missense variant is expected to disrupt ABCA4 protein function. This sequence change replaces serine, which is neutral and polar, with glycine, which is neutral and non-polar, at codon 1696 of the ABCA4 protein (p.Ser1696Gly). This variant is present in population databases (no rsID available, gnomAD 0.007%). This variant has not been reported in the literature in individuals affected with ABCA4-related conditions. Algorithms developed to predict the effect of sequence changes on RNA splicing suggest that this variant may disrupt the consensus splice site. This variant disrupts the p.Ser1696 amino acid residue in ABCA4. Other variant(s) that disrupt this residue have been determined to be pathogenic (PMID: 18854780, 20128570, 24409374, 29854428). This suggests that this residue is clinically significant, and that variants that disrupt this residue are likely to be disease-causing. In summary, the currently available evidence indicates that the variant is pathogenic, but additional data are needed to prove that conclusively. Therefore, this variant has been classified as Likely Pathogenic.

Literature cited by the submitters: PubMed 18854780 (cited by Labcorp Genetics (formerly Invitae), Labcorp); PubMed 20128570 (cited by Labcorp Genetics (formerly Invitae), Labcorp); PubMed 24409374 (cited by Labcorp Genetics (formerly Invitae), Labcorp); PubMed 29854428 (cited by Labcorp Genetics (formerly Invitae), Labcorp).

NM_000350.3(ABCA4):c.5086A>G (p.Ser1696Gly)

Gene: ABCA4 (ATP binding cassette subfamily A member 4; minus strand). Cytogenetic location: 1p22.1.
Variant type: single nucleotide variant.
Coding change: c.5086A>G on transcript NM_000350.3 (MANE Select); coding-DNA position 5086, A replaced by G.
Protein change: p.Ser1696Gly; replaces serine 1696 with glycine.
Molecular consequence: missense variant.
Genome position (GRCh38, 1-based): chr1:94,019,692, T>C on the plus strand (A>G on the coding strand, the complement: ABCA4 is on the minus strand). VCF-style: chr1-94019692-T-C. GRCh37 (hg19) VCF-style: chr1-94485248-T-C.
Other names: c.4864A>G, p.Ser1622Gly (NM_001425324.1); short protein forms S1622G, S1696G.
Identifiers: ClinVar variation 2822370 (VCV002822370.4), dbSNP rs1424418191, ClinGen allele CA341282744.